The following is an entry in ClinVar:

ClinVar aggregate classification (germline): Conflicting classifications of pathogenicity. Review status: criteria provided, conflicting classifications (1 of 4 stars). 5 submissions from 5 submitters: Uncertain significance (4); Likely benign (1). Last evaluated 2025-06-17.

Conditions:
Hereditary cancer-predisposing syndrome. Also called: Hereditary neoplastic syndrome; Neoplastic Syndromes, Hereditary; Hereditary Cancer Syndrome; Tumor predisposition. Identifiers: Orphanet 140162, MedGen C0027672, MeSH D009386, MONDO:0015356.
Hereditary breast ovarian cancer syndrome. Also called: Hereditary breast and ovarian cancer syndrome (HBOC); BRCA1- and BRCA2-Associated Hereditary Breast and Ovarian Cancer; Breast and ovarian cancer; Hereditary breast and/or ovarian cancer syndrome; Hereditary breast and ovarian cancer; Hereditary breast and ovarian cancer syndrome. Identifiers: Orphanet 145, MedGen C0677776, MeSH D061325, MONDO:0003582. Disease mechanism: loss of function.

gnomAD v4.1: 5 of 1,612,008 alleles (0.00031%); highest among the groups gnomAD compares: African/African-American, 0.0013%; no homozygotes.

Submissions (5):

Ambry Genetics
Classification: Uncertain significance for Hereditary cancer-predisposing syndrome. Last evaluated: 2025-06-17. Review status: criteria provided, single submitter. Criteria: Ambry Variant Classification Scheme 2023. Collection method: clinical testing. Allele origin: germline.
Comment: The p.H2074Y variant (also known as c.6220C>T), located in coding exon 10 of the BRCA2 gene, results from a C to T substitution at nucleotide position 6220. The histidine at codon 2074 is replaced by tyrosine, an amino acid with similar properties. This alteration was identified in an individual diagnosed with breast cancer (Lattimore V et al. Breast Cancer Res Treat, 2021 Feb;185:583-590). This amino acid position is not well conserved in available vertebrate species. In addition, this alteration is predicted to be tolerated by in silico analysis. Based on the available evidence, the clinical significance of this variant remains unclear.

Labcorp Genetics (formerly Invitae), Labcorp
Classification: Uncertain significance for Hereditary breast ovarian cancer syndrome. Last evaluated: 2024-08-30. Review status: criteria provided, single submitter. Criteria: Invitae Variant Classification Sherloc (09022015). Collection method: clinical testing. Allele origin: germline.
Comment: This sequence change replaces histidine, which is basic and polar, with tyrosine, which is neutral and polar, at codon 2074 of the BRCA2 protein (p.His2074Tyr). This variant is present in population databases (rs34309943, gnomAD 0.007%). This variant has not been reported in the literature in individuals affected with BRCA2-related conditions. ClinVar contains an entry for this variant (Variation ID: 575427). Invitae Evidence Modeling of protein sequence and biophysical properties (such as structural, functional, and spatial information, amino acid conservation, physicochemical variation, residue mobility, and thermodynamic stability) indicates that this missense variant is not expected to disrupt BRCA2 protein function with a negative predictive value of 95%. In summary, the available evidence is currently insufficient to determine the role of this variant in disease. Therefore, it has been classified as a Variant of Uncertain Significance.

University of Washington Department of Laboratory Medicine, University of Washington
Classification: Likely benign for Hereditary cancer-predisposing syndrome. Last evaluated: 2023-03-23. Review status: criteria provided, single submitter. Criteria: Dines et al. (Genet Med. 2020). Collection method: curation. Allele origin: germline.
Comment: Missense variant in a coldspot region where missense variants are very unlikely to be pathogenic (PMID:31911673).

BRCA2 exon 11 coldspot. Reclassification based on statistical prior probability.

Blueprint Genetics
Classification: Uncertain significance. Last evaluated: 2022-05-06. Review status: criteria provided, single submitter. Criteria: ACMG Guidelines, 2015. Collection method: clinical testing. Allele origin: germline.

Color Diagnostics, LLC DBA Color Health
Classification: Uncertain significance for Hereditary cancer-predisposing syndrome. Last evaluated: 2022-01-01. Review status: criteria provided, single submitter. Criteria: ACMG Guidelines, 2015. Collection method: clinical testing. Allele origin: germline.
Comment: This missense variant replaces histidine with tyrosine at codon 2074 of the BRCA2 protein. Computational prediction suggests that this variant may not impact protein structure and function (internally defined REVEL score threshold <= 0.5, PMID: 27666373). To our knowledge, functional studies have not been reported for this variant. This variant has not been reported in individuals affected with hereditary cancer in the literature. This variant has been identified in 1/249564 chromosomes in the general population by the Genome Aggregation Database (gnomAD). The available evidence is insufficient to determine the role of this variant in disease conclusively. Therefore, this variant is classified as a Variant of Uncertain Significance.

Literature cited by the submitters: PubMed 33113089 (cited by Ambry Genetics).

NM_000059.4(BRCA2):c.6220C>T (p.His2074Tyr)

Gene: BRCA2 (BRCA2 DNA repair associated; plus strand). Cytogenetic location: 13q13.1.
Variant type: single nucleotide variant.
Coding change: c.6220C>T on transcript NM_000059.4 (MANE Select); coding-DNA position 6220, C replaced by T.
Protein change: p.His2074Tyr; replaces histidine 2074 with tyrosine.
Molecular consequence: missense variant.
Genome position (GRCh38, 1-based): chr13:32,340,575, C>T. VCF-style: chr13-32340575-C-T. GRCh37 (hg19) VCF-style: chr13-32914712-C-T.
Other names: short protein forms H2074Y.
Identifiers: ClinVar variation 575427 (VCV000575427.16), dbSNP rs34309943, ClinGen allele CA6940936.